The following is an entry in ClinVar:

ClinVar aggregate classification (germline): Uncertain significance (1 of 4 stars; one submission).

Conditions:
Inborn genetic diseases. Identifiers: MedGen C0950123, MeSH D030342.

Submission:

Ambry Genetics
Classification: Uncertain significance for Inborn genetic diseases. Last evaluated: 2026-03-20. Review status: criteria provided, single submitter. Criteria: Ambry Variant Classification Scheme 2023. Collection method: clinical testing. Allele origin: germline.
Comment: The p.G1711E variant (also known as c.5132G>A), located in coding exon 20 of the FANCM gene, results from a G to A substitution at nucleotide position 5132. The glycine at codon 1711 is replaced by glutamic acid, an amino acid with similar properties. This amino acid position is conserved. In addition, this alteration is predicted to be tolerated by in silico analysis. Based on the available evidence, the clinical significance of this variant remains unclear.

NM_020937.4(FANCM):c.5132G>A (p.Gly1711Glu)

Gene: FANCM (FA complementation group M; plus strand). Cytogenetic location: 14q21.2.
Variant type: single nucleotide variant.
Coding change: c.5132G>A on transcript NM_020937.4 (MANE Select); coding-DNA position 5132, G replaced by A.
Protein change: p.Gly1711Glu; replaces glycine 1711 with glutamic acid.
Molecular consequence: missense variant.
Genome position (GRCh38, 1-based): chr14:45,189,154, G>A. VCF-style: chr14-45189154-G-A. GRCh37 (hg19) VCF-style: chr14-45658357-G-A.
Other names: c.5054G>A, p.Gly1685Glu (NM_001308133.2); short protein forms G1685E, G1711E.
Identifiers: ClinVar variation 4871034 (VCV004871034.1).
Genomic context (GRCh38, chr14:45,189,154, plus strand): 5'-ACCCAAGCACTGTTAAGAAGAACAAACAACAGGACCATTGTTTAAATTCAGTGCCTTCTG[G>A]ATCTTCTGCGCAGTCCAAGGTGCGTTCTACTCCAAGAGTTAATCCATTAGCAAAGCAGAG-3'
Protein context (NP_065988.1, residues 1701-1721): QDHCLNSVPS[Gly1711Glu]SSAQSKVRST